The following is an entry in ClinVar:

ClinVar aggregate classification (germline): Uncertain significance (0 of 4 stars; one submission).

Conditions:
ischemic cerebrovascular diesease.

Submission:

Institute of Neurology, Charite University of Medicine
Classification: Uncertain significance for ischemic cerebrovascular diesease. Last evaluated: 2025-07-10. Review status: no assertion criteria provided. Collection method: provider interpretation. Allele origin: germline. Affected: yes. Observed: 1 variant allele.
Comment: Coding variants in LRRK2 have been reported in Parkinson's disease. The variant has been classsified as 'variant of uncertain significance' based on the ACMG classification.

NM_198578.4(LRRK2):c.499A>T (p.Met167Leu)

Gene: LRRK2 (leucine rich repeat kinase 2; plus strand). Cytogenetic location: 12q12.
Variant type: single nucleotide variant.
Coding change: c.499A>T on transcript NM_198578.4 (MANE Select); coding-DNA position 499, A replaced by T.
Protein change: p.Met167Leu; replaces methionine 167 with leucine.
Molecular consequence: missense variant.
Genome position (GRCh38, 1-based): chr12:40,238,031, A>T. VCF-style: chr12-40238031-A-T. GRCh37 (hg19) VCF-style: chr12-40631833-A-T.
Other names: short protein forms M167L.
Identifiers: ClinVar variation 4857851 (VCV004857851.1).